The following is an entry in ClinVar:

ClinVar aggregate classification (germline): Uncertain significance (1 of 4 stars; one submission).

Conditions:
Cerebral folate transport deficiency. Also called: FOLATE RECEPTOR DEFICIENCY; Cerebral folate deficiency syndrome; FOLR1-Related Cerebral Folate Transport Deficiency; Neurodegenerative syndrome due to cerebral folate transport deficiency; NEURODEGENERATION DUE TO CEREBRAL FOLATE TRANSPORT DEFICIENCY. Identifiers: Orphanet 217382, MedGen C2751584, MONDO:0013110, OMIM 613068. Disease mechanism: loss of function.

Allele frequency attached by ClinVar (database versions not stated): TOPMed below 0.00001; gnomAD 0.00001; ESP Exome Variant Server 0.00008.
gnomAD v4.1: 1 of 1,614,110 alleles (0.000062%); highest among the groups gnomAD compares: African/African-American, 0.0013%; no homozygotes.

Submission:

Labcorp Genetics (formerly Invitae), Labcorp
Classification: Uncertain significance for Cerebral folate transport deficiency. Last evaluated: 2024-02-17. Review status: criteria provided, single submitter. Criteria: Invitae Variant Classification Sherloc (09022015). Collection method: clinical testing. Allele origin: germline.
Comment: This sequence change replaces glutamic acid, which is acidic and polar, with lysine, which is basic and polar, at codon 127 of the FOLR1 protein (p.Glu127Lys). This variant is not present in population databases (gnomAD no frequency). This variant has not been reported in the literature in individuals affected with FOLR1-related conditions. ClinVar contains an entry for this variant (Variation ID: 2100355). Advanced modeling of protein sequence and biophysical properties (such as structural, functional, and spatial information, amino acid conservation, physicochemical variation, residue mobility, and thermodynamic stability) has been performed at Invitae for this missense variant, however the output from this modeling did not meet the statistical confidence thresholds required to predict the impact of this variant on FOLR1 protein function. In summary, the available evidence is currently insufficient to determine the role of this variant in disease. Therefore, it has been classified as a Variant of Uncertain Significance.

NM_016729.3(FOLR1):c.379G>A (p.Glu127Lys)

Genes: FOLR1 (folate receptor alpha; plus strand), FOLR1-AS1 (FOLR1 antisense RNA 1; minus strand). Cytogenetic location: 11q13.4.
Variant type: single nucleotide variant.
Coding change: c.379G>A on transcript NM_016729.3 (MANE Select); coding-DNA position 379, G replaced by A.
Protein change: p.Glu127Lys; replaces glutamic acid 127 with lysine.
Molecular consequence: missense variant.
Genome position (GRCh38, 1-based): chr11:72,195,633, G>A. VCF-style: chr11-72195633-G-A. GRCh37 (hg19) VCF-style: chr11-71906677-G-A.
Other names: c.379G>A, p.Glu127Lys (NM_000802.3, NM_016724.3, NM_016725.3 and 1 more transcripts); short protein forms E127K.
Identifiers: ClinVar variation 2100355 (VCV002100355.4), dbSNP rs138331534, ClinGen allele CA224404964.